The following is an entry in ClinVar:

NM_001127671.2(LIFR):c.1337C>G (p.Ser446Ter)

Gene: LIFR (LIF receptor subunit alpha; minus strand). Cytogenetic location: 5p13.1.
Variant type: single nucleotide variant.
Coding change: c.1337C>G on transcript NM_001127671.2 (MANE Select); coding-DNA position 1337, C replaced by G.
Protein change: p.Ser446Ter; replaces serine 446 with a stop codon.
Molecular consequence: nonsense.
Genome position (GRCh38, 1-based): chr5:38,504,076, G>C on the plus strand (C>G on the coding strand, the complement: LIFR is on the minus strand). VCF-style: chr5-38504076-G-C. GRCh37 (hg19) VCF-style: chr5-38504178-G-C.
Other names: c.1337C>G (NM_002310.5); c.1337C>G, p.Ser446Ter (NM_001364297.2, NM_001364298.2, NM_002310.6); short protein forms S446*.
Identifiers: ClinVar variation 1979607 (VCV001979607.6), dbSNP rs2531035426, ClinGen allele CA359542690.

ClinVar aggregate classification (germline): Pathogenic/Likely pathogenic. Review status: criteria provided, multiple submitters, no conflicts (2 of 4 stars). 2 submissions from 2 submitters: Pathogenic (1); Likely pathogenic (1). Last evaluated 2025-09-23.

Conditions:
Stuve-Wiedemann syndrome (STWS). Also called: Stüve-Wiedemann syndrome. Identifiers: Orphanet 3206, MedGen C0796176, MONDO:0031280.

Allele frequency attached by ClinVar (database versions not stated): gnomAD exomes below 0.00001.
gnomAD v4.1: 2 of 1,586,628 alleles (0.00013%); highest among the groups gnomAD compares: Non-Finnish European, 0.00017%; no homozygotes.

Submissions (2):

Natera, Inc.
Classification: Likely pathogenic for Stuve-Wiedemann syndrome. Last evaluated: 2025-09-23. Review status: criteria provided, single submitter. Criteria: Natera Variant Classification Schema (03/2026). Collection method: clinical testing. Allele origin: germline.
Comment: The c.1337C>G variant in LIFR is a nonsense variant predicted to introduce a stop codon at amino acid 446. This variant is expected to result in nonsense mediated decay, truncation, or a dysfunctional protein product. This variant is rare in the general population with a frequency below the threshold expected for the associated phenotype(s). Given the available evidence, this variant is classified as Likely Pathogenic.

Labcorp Genetics (formerly Invitae), Labcorp
Classification: Pathogenic. Last evaluated: 2022-06-17. Review status: criteria provided, single submitter. Criteria: Invitae Variant Classification Sherloc (09022015). Collection method: clinical testing. Allele origin: germline.
Comment: For these reasons, this variant has been classified as Pathogenic. This variant has not been reported in the literature in individuals affected with LIFR-related conditions. This variant is not present in population databases (gnomAD no frequency). This sequence change creates a premature translational stop signal (p.Ser446*) in the LIFR gene. It is expected to result in an absent or disrupted protein product. Loss-of-function variants in LIFR are known to be pathogenic (PMID: 14740318).

Literature cited by the submitters: PubMed 14740318 (cited by Labcorp Genetics (formerly Invitae), Labcorp).